The following is an entry in ClinVar:

NM_001042492.3(NF1):c.660_665del (p.Asn222_Trp223del)

Gene: NF1 (neurofibromin 1; plus strand). Cytogenetic location: 17q11.2.
Variant type: Deletion.
Coding change: c.660_665del on transcript NM_001042492.3 (MANE Select); coding-DNA positions 660 to 665, 6 bases deleted (TTGGAA; older notation c.660_665delTTGGAA).
Protein change: p.Asn222_Trp223del.
Molecular consequence: inframe deletion. On other transcripts: inframe indel (1).
Genome position (GRCh38, 1-based): chr17:31,181,715-31,181,720, TTGGAA deleted. VCF-style (leftmost placement, unchanged base first): chr17-31181714-TTTGGAA-T. GRCh37 (hg19) VCF-style: chr17-29508732-TTTGGAA-T.
Other names: c.660_665delTTGGAA, p.Asn222_Trp223del (NM_000267.4); c.660_665del, p.Asn222_Trp223del (NM_001128147.3); c.660_665delTTGGAA (NM_000267.3).
Identifiers: ClinVar variation 422978 (VCV000422978.2), dbSNP rs1064796137, ClinGen allele CA16620354.
Genomic context (GRCh38, chr17:31,181,714, plus strand): 5'-TTTATTTACTGTATTACAAAAAATCACTGTAAAGACATGTGGTTCTTTATTTATAGGCAT[TTTGGAA>T]CTGGGTAGAAAATTATCCAGATGAATTTACAAAACTGTACCAGATCCCACAGACTGATAT-3'

ClinVar aggregate classification (germline): Likely pathogenic (1 of 4 stars; one submission).

Submission:

GeneDx
Classification: Likely pathogenic. Last evaluated: 2017-02-28. Review status: criteria provided, single submitter. Criteria: GeneDx Variant Classification (06012015). Collection method: clinical testing. Allele origin: germline. Affected: yes.
Comment: The c.660_665delTTGGAA variant has not been published as a pathogenic variant, nor has it been reported as a benign variant to our knowledge. The variant was not observed in approximately 6,500 individuals of European and African American ancestry in the NHLBI Exome Sequencing Project, indicating it is not a common benign variant in these populations. It results in the in-frame deletion of two conserved amino acid residues; however, in silico analysis is inconsistent in its predictions as to whether or not the variant is damaging to the protein structure/function. Therefore, based on the currently available information, it is unclear whether this variant is a pathogenic variant or a rare benign variant.